The following is an entry in ClinVar:

ClinVar aggregate classification (germline): Uncertain significance (1 of 4 stars; one submission).

Conditions:
Mitochondrial hypertrophic cardiomyopathy with lactic acidosis due to MTO1 deficiency. Also called: Combined oxidative phosphorylation deficiency 10; CARDIOMYOPATHY, INFANTILE HYPERTROPHIC MITOCHONDRIAL, AND LACTIC ACIDOSIS. Identifiers: Orphanet 314637, MedGen C4749921, MONDO:0013865, OMIM 614702.

Submission:

Labcorp Genetics (formerly Invitae), Labcorp
Classification: Uncertain significance for Mitochondrial hypertrophic cardiomyopathy with lactic acidosis due to MTO1 deficiency. Last evaluated: 2021-07-01. Review status: criteria provided, single submitter. Criteria: Invitae Variant Classification Sherloc (09022015). Collection method: clinical testing. Allele origin: germline.
Comment: This sequence change replaces cysteine with tyrosine at codon 364 of the MTO1 protein (p.Cys364Tyr). The cysteine residue is weakly conserved and there is a large physicochemical difference between cysteine and tyrosine. This variant is not present in population databases (ExAC no frequency). This variant has not been reported in the literature in individuals with MTO1-related conditions. Algorithms developed to predict the effect of missense changes on protein structure and function (SIFT, PolyPhen-2, Align-GVGD) all suggest that this variant is likely to be tolerated, but these predictions have not been confirmed by published functional studies and their clinical significance is uncertain. In summary, the available evidence is currently insufficient to determine the role of this variant in disease. Therefore, it has been classified as a Variant of Uncertain Significance.

NM_012123.4(MTO1):c.1091G>A (p.Cys364Tyr)

Gene: MTO1 (mitochondrial tRNA translation optimization 1; plus strand). Cytogenetic location: 6q13.
Variant type: single nucleotide variant.
Coding change: c.1091G>A on transcript NM_012123.4 (MANE Select); coding-DNA position 1091, G replaced by A.
Protein change: p.Cys364Tyr; replaces cysteine 364 with tyrosine.
Molecular consequence: missense variant.
Genome position (GRCh38, 1-based): chr6:73,480,088, G>A. VCF-style: chr6-73480088-G-A. GRCh37 (hg19) VCF-style: chr6-74189811-G-A.
Other names: c.1091G>A, p.Cys364Tyr (NM_001123226.2, NM_133645.3); short protein forms C364Y.
Identifiers: ClinVar variation 1381512 (VCV001381512.8), dbSNP rs2150035920, ClinGen allele CA364714895.